The following is an entry in ClinVar:

NM_001077350.3(NPRL3):c.737A>G (p.Glu246Gly)

Genes: HBA-LCR (alpha-globin locus control region; plus strand), NPRL3 (NPR3 like, GATOR1 complex subunit; minus strand). Cytogenetic location: 16p13.3.
Variant type: single nucleotide variant.
Coding change: c.737A>G on transcript NM_001077350.3 (MANE Select); coding-DNA position 737, A replaced by G.
Protein change: p.Glu246Gly; replaces glutamic acid 246 with glycine.
Molecular consequence: missense variant.
Genome position (GRCh38, 1-based): chr16:100,402, T>C on the plus strand (A>G on the coding strand, the complement: NPRL3 is on the minus strand). VCF-style: chr16-100402-T-C. GRCh37 (hg19) VCF-style: chr16-150400-T-C.
Other names: c.200A>G, p.Glu67Gly (NM_001039476.3); c.503A>G, p.Glu168Gly (NM_001243247.2); c.662A>G, p.Glu221Gly (NM_001243248.2, NM_001243249.2); short protein forms E246G, E67G, E168G, E221G.
Identifiers: ClinVar variation 2094646 (VCV002094646.4), dbSNP rs1899227492, ClinGen allele CA393990737.

ClinVar aggregate classification (germline): Uncertain significance (1 of 4 stars; one submission).

Conditions:
Epilepsy, familial focal, with variable foci 3 (FFEVF3). Identifiers: MedGen C4310708, MONDO:0014925, OMIM 617118.

Allele frequency attached by ClinVar (database versions not stated): TOPMed below 0.00001.

Submission:

Labcorp Genetics (formerly Invitae), Labcorp
Classification: Uncertain significance for Epilepsy, familial focal, with variable foci 3. Last evaluated: 2022-02-19. Review status: criteria provided, single submitter. Criteria: Invitae Variant Classification Sherloc (09022015). Collection method: clinical testing. Allele origin: germline.
Comment: This variant is not present in population databases (gnomAD no frequency). In summary, the available evidence is currently insufficient to determine the role of this variant in disease. Therefore, it has been classified as a Variant of Uncertain Significance. Experimental studies and prediction algorithms are not available or were not evaluated, and the functional significance of this variant is currently unknown. This variant has not been reported in the literature in individuals affected with NPRL3-related conditions. This sequence change replaces glutamic acid, which is acidic and polar, with glycine, which is neutral and non-polar, at codon 246 of the NPRL3 protein (p.Glu246Gly).